The following is an entry in ClinVar:

NM_025132.4(WDR19):c.2591A>G (p.Glu864Gly)

Gene: WDR19 (WD repeat domain 19; plus strand). Cytogenetic location: 4p14.
Variant type: single nucleotide variant.
Coding change: c.2591A>G on transcript NM_025132.4 (MANE Select); coding-DNA position 2591, A replaced by G.
Protein change: p.Glu864Gly; replaces glutamic acid 864 with glycine.
Molecular consequence: missense variant.
Genome position (GRCh38, 1-based): chr4:39,244,498, A>G. VCF-style: chr4-39244498-A-G. GRCh37 (hg19) VCF-style: chr4-39246118-A-G.
Other names: c.2111A>G, p.Glu704Gly (NM_001317924.2); short protein forms E704G, E864G.
Identifiers: ClinVar variation 2951442 (VCV002951442.1), dbSNP rs765643216, ClinGen allele CA2892121.

ClinVar aggregate classification (germline): Uncertain significance (1 of 4 stars; one submission).

Conditions:
Asphyxiating thoracic dystrophy 5 (SRTD5). Also called: SHORT-RIB THORACIC DYSPLASIA 5 WITH OR WITHOUT POLYDACTYLY; SHORT-RIB THORACIC DYSPLASIA 5 WITHOUT POLYDACTYLY. Identifiers: Orphanet 474, MedGen C3280598, MONDO:0013717, OMIM 614376.
Senior-Loken syndrome 8 (SLSN8). Identifiers: Orphanet 3156, MedGen C4225376, MONDO:0014579, OMIM 616307.

Allele frequency attached by ClinVar (database versions not stated): gnomAD exomes below 0.00001; TOPMed below 0.00001; ExAC 0.00001.

Submission:

Labcorp Genetics (formerly Invitae), Labcorp
Classification: Uncertain significance for Senior-Loken syndrome 8; Asphyxiating thoracic dystrophy 5. Last evaluated: 2024-01-22. Review status: criteria provided, single submitter. Criteria: Invitae Variant Classification Sherloc (09022015). Collection method: clinical testing. Allele origin: germline.
Comment: This sequence change replaces glutamic acid, which is acidic and polar, with glycine, which is neutral and non-polar, at codon 864 of the WDR19 protein (p.Glu864Gly). This variant is present in population databases (rs765643216, gnomAD 0.003%). This variant has not been reported in the literature in individuals affected with WDR19-related conditions. Advanced modeling of protein sequence and biophysical properties (such as structural, functional, and spatial information, amino acid conservation, physicochemical variation, residue mobility, and thermodynamic stability) performed at Invitae indicates that this missense variant is not expected to disrupt WDR19 protein function with a negative predictive value of 80%. In summary, the available evidence is currently insufficient to determine the role of this variant in disease. Therefore, it has been classified as a Variant of Uncertain Significance.